The following is an entry in ClinVar:

NM_000037.4(ANK1):c.3984G>T (p.Lys1328Asn)

Gene: ANK1 (ankyrin 1; minus strand). Cytogenetic location: 8p11.21.
Variant type: single nucleotide variant.
Coding change: c.3984G>T on transcript NM_000037.4 (MANE Select); coding-DNA position 3984, G replaced by T.
Protein change: p.Lys1328Asn; replaces lysine 1328 with asparagine.
Molecular consequence: missense variant.
Genome position (GRCh38, 1-based): chr8:41,690,474, C>A on the plus strand (G>T on the coding strand, the complement: ANK1 is on the minus strand). VCF-style: chr8-41690474-C-A. GRCh37 (hg19) VCF-style: chr8-41547992-C-A.
Other names: p.Lys1328Asn; c.3984G>T, p.Lys1328Asn (NM_020476.3, NM_020477.3, NM_020475.3); c.4107G>T, p.Lys1369Asn (NM_001142446.2); short protein forms K1369N, K1328N.
Identifiers: ClinVar variation 4541359 (VCV004541359.1).

ClinVar aggregate classification (germline): Uncertain significance (1 of 4 stars; one submission).

Submission:

Mayo Clinic Laboratories, Mayo Clinic
Classification: Uncertain significance. Last evaluated: 2025-09-22. Review status: criteria provided, single submitter. Criteria: ACMG Guidelines, 2015. Collection method: clinical testing. Allele origin: germline. Observed: 1 variant allele.
Comment: PP3, PM2_supporting